The following is an entry in ClinVar:

ClinVar aggregate classification (germline): Likely benign. Review status: criteria provided, multiple submitters, no conflicts (2 of 4 stars). 2 submissions from 2 submitters: Likely benign (2). Last evaluated 2026-01-05.

Conditions:
Ataxia-telangiectasia syndrome (AT). Also called: LOUIS-BAR SYNDROME; Cerebello-oculocutaneous telangiectasia; Immunodeficiency with ataxia telangiectasia; Ataxia telangiectasia (A-T); Ataxia-telangiectasia, complementation group D; AT, COMPLEMENTATION GROUP C. Identifiers: Orphanet 100, MedGen C0004135, MONDO:0008840, OMIM 208900.
Familial cancer of breast. Also called: BREAST CANCER, FAMILIAL; Hereditary breast cancer; hereditary breast carcinoma. Identifiers: Orphanet 227535, MedGen C0346153, MONDO:0016419, OMIM 114480. Disease mechanism: loss of function.

Allele frequency attached by ClinVar (database versions not stated): gnomAD exomes below 0.00001.

Submissions (2):

Labcorp Genetics (formerly Invitae), Labcorp
Classification: Likely benign for Ataxia-telangiectasia syndrome. Last evaluated: 2026-01-05. Review status: criteria provided, single submitter. Criteria: Invitae Variant Classification Sherloc (09022015). Collection method: clinical testing. Allele origin: germline.

Myriad Genetics, Inc.
Classification: Likely benign for Familial cancer of breast. Last evaluated: 2024-06-14. Review status: criteria provided, single submitter. Criteria: Myriad Autosomal Dominant, Autosomal Recessive and X-Linked Classification Criteria (2023). Collection method: clinical testing. Allele origin: unknown.
Comment: This variant is considered likely benign. This variant is intronic and is not expected to impact mRNA splicing.

NM_000051.4(ATM):c.7516-14T>C

Genes: ATM (ATM serine/threonine kinase; plus strand), C11orf65 (chromosome 11 open reading frame 65; minus strand). Cytogenetic location: 11q22.3.
Variant type: single nucleotide variant.
Coding change: c.7516-14T>C on transcript NM_000051.4 (MANE Select); 14 bases into the intron before coding-DNA position 7516, T replaced by C.
Molecular consequence: intron variant. On other transcripts: non-coding transcript variant (1).
Genome position (GRCh38, 1-based): chr11:108,331,430, T>C. VCF-style: chr11-108331430-T-C. GRCh37 (hg19) VCF-style: chr11-108202157-T-C.
Other names: c.7516-14T>C (NM_001351834.2); c.641-22359A>G (NM_001330368.2); c.*38+3790A>G (NM_001351110.2).
Identifiers: ClinVar variation 1587862 (VCV001587862.10), dbSNP rs1254619756, ClinGen allele CA601726848.